The following is an entry in ClinVar:

ClinVar aggregate classification (germline): Uncertain significance (1 of 4 stars; one submission).

Conditions:
CREBBP-related disorder. Also called: CREBBP-related condition; CREBBP-related disorders.

Submission:

PreventionGenetics, part of Exact Sciences
Classification: Uncertain significance for CREBBP-related condition. Last evaluated: 2026-01-26. Review status: criteria provided, single submitter. Criteria: ACMG Guidelines, 2015. Collection method: clinical testing. Allele origin: germline.
Comment: The CREBBP c.2275G>T variant is predicted to result in the amino acid substitution p.Val759Leu. To our knowledge, this variant has not been reported in the literature or in a large population database (gnomAD), indicating this variant is rare. At this time, the clinical significance of this variant is uncertain due to the absence of conclusive functional and genetic evidence.

NM_004380.3(CREBBP):c.2275G>T (p.Val759Leu)

Gene: CREBBP (CREB binding lysine acetyltransferase; minus strand). Cytogenetic location: 16p13.3.
Variant type: single nucleotide variant.
Coding change: c.2275G>T on transcript NM_004380.3 (MANE Select); coding-DNA position 2275, G replaced by T.
Protein change: p.Val759Leu; replaces valine 759 with leucine.
Molecular consequence: missense variant.
Genome position (GRCh38, 1-based): chr16:3,774,577, C>A on the plus strand (G>T on the coding strand, the complement: CREBBP is on the minus strand). VCF-style: chr16-3774577-C-A. GRCh37 (hg19) VCF-style: chr16-3824578-C-A.
Other names: c.2161G>T, p.Val721Leu (NM_001079846.1); short protein forms V721L, V759L.
Identifiers: ClinVar variation 4992140 (VCV004992140.1).